The following is an entry in ClinVar:

ClinVar aggregate classification (germline): Conflicting classifications of pathogenicity. Review status: criteria provided, conflicting classifications (1 of 4 stars). 2 submissions from 2 submitters: Uncertain significance (1); Likely benign (1). Last evaluated 2017-10-24.

Conditions:
Inborn genetic diseases. Identifiers: MedGen C0950123, MeSH D030342.

Allele frequency attached by ClinVar (database versions not stated): gnomAD 0.00002; TOPMed 0.00002.
gnomAD v4.1: 5 of 1,613,686 alleles (0.00031%); highest among the groups gnomAD compares: Non-Finnish European, 0.00042%; no homozygotes.

Submissions (2):

Ambry Genetics
Classification: Likely benign for Inborn genetic diseases. Last evaluated: 2017-10-24. Review status: criteria provided, single submitter. Criteria: Ambry Variant Classification Scheme 2023. Collection method: clinical testing. Allele origin: germline.

GeneDx
Classification: Uncertain significance. Last evaluated: 2016-06-24. Review status: criteria provided, single submitter. Criteria: GeneDx Variant Classification (06012015). Collection method: clinical testing. Allele origin: germline. Affected: yes.
Comment: The A1556G variant in the ANKRD11 gene has not been reported previously as a pathogenic variant, nor as a benign variant, to our knowledge. The A1556G variant was not observed in approximately 6500 individuals of European and African American ancestry in the NHLBI Exome Sequencing Project, indicating it is not a common benign variant in these populations. The A1556G variant is a conservative amino acid substitution, which is not likely to impact secondary protein structure as these residues share similar properties. This substitution occurs at a position that is not conserved. In silico analysis predicts this variant likely does not alter the protein structure/function. We interpret A1556G as a variant of uncertain significance.

NM_013275.6(ANKRD11):c.4667C>G (p.Ala1556Gly)

Gene: ANKRD11 (ankyrin repeat domain containing 11; minus strand). Cytogenetic location: 16q24.3.
Variant type: single nucleotide variant.
Coding change: c.4667C>G on transcript NM_013275.6 (MANE Select); coding-DNA position 4667, C replaced by G.
Protein change: p.Ala1556Gly; replaces alanine 1556 with glycine.
Molecular consequence: missense variant.
Genome position (GRCh38, 1-based): chr16:89,281,875, G>C on the plus strand (C>G on the coding strand, the complement: ANKRD11 is on the minus strand). VCF-style: chr16-89281875-G-C. GRCh37 (hg19) VCF-style: chr16-89348283-G-C.
Other names: c.4667C>G, p.Ala1556Gly (NM_001256182.2, NM_001256183.2); short protein forms A1556G.
Identifiers: ClinVar variation 387321 (VCV000387321.6), dbSNP rs781186923, ClinGen allele CA16607545.